The following is an entry in ClinVar:

NC_000011.9:g.(?_118967708)_(119103425_?)dup

Genes: ABCG4 (ATP binding cassette subfamily G member 4; plus strand), C2CD2L (C2CD2 like; plus strand), CBL (Cbl proto-oncogene; plus strand), DPAGT1 (dolichyl-phosphate N-acetylglucosaminephosphotransferase 1; minus strand), DRC12 (dynein regulatory complex subunit 12 homolog; minus strand) and 3 more. Cytogenetic location: 11q23.3.
Variant type: Duplication.
Identifiers: ClinVar variation 2425315 (VCV002425315.4).

ClinVar aggregate classification (germline): Uncertain significance (1 of 4 stars; one submission).

Conditions:
RASopathy. Also called: rasopathies; Noonan spectrum disorder. Identifiers: Orphanet 536391, MedGen C5555857, MONDO:0021060.

Submission:

Labcorp Genetics (formerly Invitae), Labcorp
Classification: Uncertain significance for RASopathy. Last evaluated: 2022-08-16. Review status: criteria provided, single submitter. Criteria: Invitae Variant Classification Sherloc (09022015). Collection method: clinical testing. Allele origin: germline.
Comment: In summary, the available evidence is currently insufficient to determine the role of this variant in disease. Therefore, it has been classified as a Variant of Uncertain Significance. Experimental studies and prediction algorithms are not available or were not evaluated, and the functional significance of this variant is currently unknown. This variant has not been reported in the literature in individuals affected with CBL-related conditions. This variant is a gross deletion of the genomic region encompassing exon(s) 1-2 of the CBL gene, which includes the initiator codon. This deletion extends beyond the assayed region for this gene and therefore may encompass additional genes. It is expected to result in an absent or disrupted protein product. However, the current clinical and genetic evidence is not sufficient to establish whether loss-of-function variants in CBL cause disease.